The following is an entry in ClinVar:

NM_017433.5(MYO3A):c.168+3A>G

Gene: MYO3A (myosin IIIA; plus strand). Cytogenetic location: 10p12.1.
Variant type: single nucleotide variant.
Coding change: c.168+3A>G on transcript NM_017433.5 (MANE Select); 3 bases into the intron after coding-DNA position 168, A replaced by G.
Molecular consequence: intron variant.
Genome position (GRCh38, 1-based): chr10:25,952,281, A>G. VCF-style: chr10-25952281-A-G. GRCh37 (hg19) VCF-style: chr10-26241210-A-G.
Other names: c.168+3A>G (NM_001368265.1).
Identifiers: ClinVar variation 2876806 (VCV002876806.3), dbSNP rs369807549, ClinGen allele CA204351148.
Genomic context (GRCh38, chr10:25,952,281, plus strand): 5'-AGTATTGAATAAGAAAAATGGCCAAAAAGCAGCAGTCAAAATTCTTGATCCAATTCACGT[A>G]AGTCATATTTTTTCCTTCTAATTAGCTTTATTTTTATCTGTATGAAACACTTAAAAAGAC-3'

ClinVar aggregate classification (germline): Uncertain significance (1 of 4 stars; one submission).

Allele frequency attached by ClinVar (database versions not stated): TOPMed below 0.00001; gnomAD 0.00001; gnomAD exomes 0.00001; ESP Exome Variant Server 0.00008.
gnomAD v4.1: 15 of 1,611,490 alleles (0.00093%); highest among the groups gnomAD compares: Admixed American, 0.0084%; no homozygotes.

Submission:

Labcorp Genetics (formerly Invitae), Labcorp
Classification: Uncertain significance. Last evaluated: 2023-02-16. Review status: criteria provided, single submitter. Criteria: Invitae Variant Classification Sherloc (09022015). Collection method: clinical testing. Allele origin: germline.
Comment: This sequence change falls in intron 3 of the MYO3A gene. It does not directly change the encoded amino acid sequence of the MYO3A protein. It affects a nucleotide within the consensus splice site. This variant is present in population databases (rs369807549, gnomAD 0.01%). This variant has not been reported in the literature in individuals affected with MYO3A-related conditions. Variants that disrupt the consensus splice site are a relatively common cause of aberrant splicing (PMID: 17576681, 9536098). Algorithms developed to predict the effect of sequence changes on RNA splicing suggest that this variant is not likely to affect RNA splicing. In summary, the available evidence is currently insufficient to determine the role of this variant in disease. Therefore, it has been classified as a Variant of Uncertain Significance.

Literature cited by the submitters: PubMed 17576681; PubMed 9536098.